The following is an entry in ClinVar:

NM_004415.4(DSP):c.4608dup (p.Arg1537fs)

Gene: DSP (desmoplakin; plus strand). Cytogenetic location: 6p24.3.
Variant type: Duplication.
Coding change: c.4608dup on transcript NM_004415.4 (MANE Select); coding-DNA position 4608, one base duplicated (A; older notation c.4608dupA).
Protein change: p.Arg1537fs; shifts the reading frame from arginine 1537.
Molecular consequence: frameshift variant. On other transcripts: intron variant (2).
Genome position (GRCh38, 1-based): chr6:7,580,798, A duplicated. VCF-style (leftmost placement, unchanged base first): chr6-7580797-C-CA. GRCh37 (hg19) VCF-style: chr6-7581030-C-CA.
Other names: c.4050+558dup (NM_001319034.2); c.3582+1026dup (NM_001008844.3); short protein forms R1537fs.
Identifiers: ClinVar variation 2949848 (VCV002949848.3), dbSNP rs2533929436, ClinGen allele CA2740090883.

ClinVar aggregate classification (germline): Pathogenic (1 of 4 stars; one submission).

Conditions:
Arrhythmogenic cardiomyopathy with wooly hair and keratoderma. Also called: PALMOPLANTAR KERATODERMA WITH LEFT VENTRICULAR CARDIOMYOPATHY AND WOOLLY HAIR; Carvajal syndrome; Dilated cardiomyopathy with woolly hair and keratoderma; Arrhythmogenic cardiomyopathy with woolly hair and keratoderma. Identifiers: Orphanet 65282, MedGen C1854063, MONDO:0011581, OMIM 605676.
Arrhythmogenic right ventricular dysplasia 8 (ARVD8). Also called: Arrhythmogenic Right Ventricular Dysplasia/Cardiomyopathy 8; ARRHYTHMOGENIC RIGHT VENTRICULAR DYSPLASIA, FAMILIAL, 8; ARRHYTHMOGENIC RIGHT VENTRICULAR CARDIOMYOPATHY 8. Identifiers: MedGen C1843896, MONDO:0011831, OMIM 607450.

Submission:

Labcorp Genetics (formerly Invitae), Labcorp
Classification: Pathogenic for Arrhythmogenic cardiomyopathy with wooly hair and keratoderma; Arrhythmogenic right ventricular dysplasia 8. Last evaluated: 2023-07-14. Review status: criteria provided, single submitter. Criteria: Invitae Variant Classification Sherloc (09022015). Collection method: clinical testing. Allele origin: germline.
Comment: For these reasons, this variant has been classified as Pathogenic. This variant has not been reported in the literature in individuals affected with DSP-related conditions. This variant is not present in population databases (gnomAD no frequency). This sequence change creates a premature translational stop signal (p.Arg1537Thrfs*7) in the DSP gene. It is expected to result in an absent or disrupted protein product. Loss-of-function variants in DSP are known to be pathogenic (PMID: 20716751, 24503780, 25227139).

Literature cited by the submitters: PubMed 20716751; PubMed 24503780; PubMed 25227139.